The following is an entry in ClinVar:

NM_007289.4(MME):c.418T>G (p.Tyr140Asp)

Gene: MME (membrane metalloendopeptidase; plus strand). Cytogenetic location: 3q25.2.
Variant type: single nucleotide variant.
Coding change: c.418T>G on transcript NM_007289.4 (MANE Select); coding-DNA position 418, T replaced by G.
Protein change: p.Tyr140Asp; replaces tyrosine 140 with aspartic acid.
Molecular consequence: missense variant.
Genome position (GRCh38, 1-based): chr3:155,116,538, T>G. VCF-style: chr3-155116538-T-G. GRCh37 (hg19) VCF-style: chr3-154834327-T-G.
Other names: c.418T>G, p.Tyr140Asp (NM_000902.5, NM_001354642.2, NM_001354643.1 and 2 more transcripts); short protein forms Y140D.
Identifiers: ClinVar variation 2059684 (VCV002059684.4), dbSNP rs2472973058, ClinGen allele CA355127842.

ClinVar aggregate classification (germline): Uncertain significance (1 of 4 stars; one submission).

Submission:

Labcorp Genetics (formerly Invitae), Labcorp
Classification: Uncertain significance. Last evaluated: 2021-12-25. Review status: criteria provided, single submitter. Criteria: Invitae Variant Classification Sherloc (09022015). Collection method: clinical testing. Allele origin: germline.
Comment: In summary, the available evidence is currently insufficient to determine the role of this variant in disease. Therefore, it has been classified as a Variant of Uncertain Significance. This sequence change replaces tyrosine, which is neutral and polar, with aspartic acid, which is acidic and polar, at codon 140 of the MME protein (p.Tyr140Asp). This variant is not present in population databases (gnomAD no frequency). This variant has not been reported in the literature in individuals affected with MME-related conditions. Algorithms developed to predict the effect of missense changes on protein structure and function (SIFT, PolyPhen-2, Align-GVGD) all suggest that this variant is likely to be disruptive.